The following is an entry in ClinVar:

ClinVar aggregate classification (germline): Pathogenic. Review status: criteria provided, multiple submitters, no conflicts (2 of 4 stars). 3 submissions from 3 submitters: Pathogenic (3). Last evaluated 2022-10-10.

Conditions:
CYP21A2-related disorder. Also called: CYP21A2-related condition.

Allele frequency attached by ClinVar (database versions not stated): TOPMed 0.00001.

Submissions (3):

Labcorp Genetics (formerly Invitae), Labcorp
Classification: Pathogenic. Last evaluated: 2022-10-10. Review status: criteria provided, single submitter. Criteria: Invitae Variant Classification Sherloc (09022015). Collection method: clinical testing. Allele origin: germline.
Comment: This variant is also known as W19X. This premature translational stop signal has been observed in individual(s) with classic salt-wasting and nonclassic congenital adrenal hyperplasia due to 21-hydroxylase deficiency (PMID: 19208730, 20587039, 30048636). The frequency data for this variant in the population databases (gnomAD) is considered unreliable due to the presence of homologous sequence, such as pseudogenes or paralogs, in the genome. This sequence change creates a premature translational stop signal (p.Trp20*) in the CYP21A2 gene. It is expected to result in an absent or disrupted protein product. Loss-of-function variants in CYP21A2 are known to be pathogenic (PMID: 10857554). ClinVar contains an entry for this variant (Variation ID: 804727). For these reasons, this variant has been classified as Pathogenic.

Blueprint Genetics
Classification: Pathogenic for CYP21A2-related disorders. Last evaluated: 2022-01-03. Review status: criteria provided, single submitter. Criteria: ACMG Guidelines, 2015. Collection method: clinical testing. Allele origin: germline. Affected: yes. Observed: 1 variant allele.

Athena Diagnostics
Classification: Pathogenic. Last evaluated: 2018-09-18. Review status: criteria provided, single submitter. Criteria: Athena Diagnostics Criteria. Collection method: clinical testing. Allele origin: germline.
Comment: The variant creates a premature nonsense codon, and is therefore predicted to significantly disrupt the protein structure. Found in at least one symptomatic patient, and found in general population data that is consistent with pathogenicity. Occurs in three or more cases with a recessive pathogenic variant in the same gene.

Literature cited by the submitters: PubMed 19208730 (cited by Labcorp Genetics (formerly Invitae), Labcorp and Athena Diagnostics); PubMed 20587039 (cited by Labcorp Genetics (formerly Invitae), Labcorp and Athena Diagnostics); PubMed 30048636 (cited by Labcorp Genetics (formerly Invitae), Labcorp and Athena Diagnostics); PubMed 10857554 (cited by Labcorp Genetics (formerly Invitae), Labcorp); PubMed 24502676 (cited by Athena Diagnostics); PubMed 28819757 (cited by Athena Diagnostics).

NM_000500.9(CYP21A2):c.60G>A (p.Trp20Ter)

Genes: CYP21A2 (cytochrome P450 family 21 subfamily A member 2; plus strand), LOC106780800 (CYP21A2 recombination region; plus strand). Cytogenetic location: 6p21.33.
Variant type: single nucleotide variant.
Coding change: c.60G>A on transcript NM_000500.9 (MANE Select); coding-DNA position 60, G replaced by A.
Protein change: p.Trp20Ter; replaces tryptophan 20 with a stop codon.
Molecular consequence: nonsense. On other transcripts: 5 prime UTR variant (2).
Genome position (GRCh38, 1-based): chr6:32,038,482, G>A. VCF-style: chr6-32038482-G-A. GRCh37 (hg19) VCF-style: chr6-32006259-G-A.
Other names: c.60G>A, p.Trp20Ter (NM_001128590.4); c.-365G>A (NM_001368143.2); c.-275G>A (NM_001368144.2); short protein forms W20*.
Identifiers: ClinVar variation 804727 (VCV000804727.6), dbSNP rs746097144, ClinGen allele CA363498745.